The following is an entry in ClinVar:

NM_001099922.3(ALG13):c.2296G>A (p.Val766Ile)

Gene: ALG13 (ALG13 UDP-N-acetylglucosaminyltransferase subunit; plus strand). Cytogenetic location: Xq23.
Variant type: single nucleotide variant.
Coding change: c.2296G>A on transcript NM_001099922.3 (MANE Select); coding-DNA position 2296, G replaced by A.
Protein change: p.Val766Ile; replaces valine 766 with isoleucine.
Molecular consequence: missense variant. On other transcripts: non-coding transcript variant (1).
Genome position (GRCh38, 1-based): chrX:111,728,233, G>A. VCF-style: chrX-111728233-G-A. GRCh37 (hg19) VCF-style: chrX-110971461-G-A.
Other names: c.1984G>A, p.Val662Ile (NM_001257237.2, NM_001257230.2, NM_001257234.2); c.2296G>A, p.Val766Ile (NM_001324292.2); c.1810G>A, p.Val604Ile (NM_001324293.1); c.2062G>A, p.Val688Ile (NM_001257231.2); short protein forms V766I, V662I, V688I, V604I.
Identifiers: ClinVar variation 2095472 (VCV002095472.4), dbSNP rs2525972965, ClinGen allele CA414253720.
Genomic context (GRCh38, chrX:111,728,233, plus strand): 5'-TCTCTGATACAGAATCATGGAGGTCCCTCTACAATGGTTCCTGCTACTTCAGGATACTGT[G>A]TTGGAAGGCGGGGACATAGCTCAGGCAAACAGACTTTGAATTTAGAGGAGGGCAATGGCC-3'
Protein context (NP_001093392.1, residues 756-776): TMVPATSGYC[Val766Ile]GRRGHSSGKQ

ClinVar aggregate classification (germline): Uncertain significance (1 of 4 stars; one submission).

Conditions:
Developmental and epileptic encephalopathy, 36 (DEE36). Also called: Epileptic encephalopathy, early infantile, 36; Congenital disorder of glycosylation, type Is; ALG13-CDG. Identifiers: Orphanet 324422, MedGen C4317295, MONDO:0010472, OMIM 300884.

Allele frequency attached by ClinVar (database versions not stated): gnomAD exomes below 0.00001.
gnomAD v4.1: 2 of 1,211,420 alleles (0.00017%); highest among the groups gnomAD compares: Non-Finnish European, 0.00022%; no homozygotes.

Submission:

Labcorp Genetics (formerly Invitae), Labcorp
Classification: Uncertain significance for Developmental and epileptic encephalopathy, 36. Last evaluated: 2022-07-26. Review status: criteria provided, single submitter. Criteria: Invitae Variant Classification Sherloc (09022015). Collection method: clinical testing. Allele origin: germline.
Comment: Algorithms developed to predict the effect of missense changes on protein structure and function output the following: SIFT: "Tolerated"; PolyPhen-2: "Benign"; Align-GVGD: "Class C0". The isoleucine amino acid residue is found in multiple mammalian species, which suggests that this missense change does not adversely affect protein function. In summary, the available evidence is currently insufficient to determine the role of this variant in disease. Therefore, it has been classified as a Variant of Uncertain Significance. This variant has not been reported in the literature in individuals affected with ALG13-related conditions. This sequence change replaces valine, which is neutral and non-polar, with isoleucine, which is neutral and non-polar, at codon 766 of the ALG13 protein (p.Val766Ile). This variant is not present in population databases (gnomAD no frequency).